The following is an entry in ClinVar:

NM_001754.5(RUNX1):c.1269C>G (p.Arg423=)

Gene: RUNX1 (RUNX family transcription factor 1; minus strand). Cytogenetic location: 21q22.12.
Variant type: single nucleotide variant.
Coding change: c.1269C>G on transcript NM_001754.5 (MANE Select); coding-DNA position 1269, C replaced by G.
Protein change: p.Arg423=; no amino-acid change (arginine 423 retained).
Molecular consequence: synonymous variant.
Genome position (GRCh38, 1-based): chr21:34,792,309, G>C on the plus strand (C>G on the coding strand, the complement: RUNX1 is on the minus strand). VCF-style: chr21-34792309-G-C. GRCh37 (hg19) VCF-style: chr21-36164606-G-C.
Other names: NM_001754.5(RUNX1):c.1269C>G; p.Arg423=; c.1269C>G (NM_001754.4); c.1188C>G, p.Arg396= (NM_001001890.3).
Identifiers: ClinVar variation 1160372 (VCV001160372.13), dbSNP rs544247912, ClinGen allele CA512341156.

ClinVar aggregate classification (germline): Likely benign. Review status: reviewed by expert panel (3 of 4 stars). 5 submissions from 5 submitters: Likely benign (1). 4 of the submissions do not count toward it. Last evaluated 2024-06-24.

Conditions:
Hereditary thrombocytopenia and hematologic cancer predisposition syndrome. Identifiers: Orphanet 71290, MedGen CN281654, MONDO:0011071.
RUNX1-related disorder. Also called: RUNX1-related condition.
Hereditary thrombocytopenia and hematological cancer predisposition syndrome associated with RUNX1. Also called: Familial thrombocytopenia with propensity to acute myelogenous leukemia; PLATELET DISORDER, ASPIRIN-LIKE; Familial Platelet Disorder with Propensity to Acute Myelogenous Leukemia; RUNX1 Familial Platelet Disorder with Associated Myeloid Malignancies. Identifiers: Orphanet 71290, MedGen C1832388, MeSH C563324, MONDO:0100083, OMIM 601399.
Inborn genetic diseases. Identifiers: MedGen C0950123, MeSH D030342.

gnomAD v4.1: 15 of 1,542,484 alleles (0.00097%); highest among the groups gnomAD compares: African/African-American, 0.0041%; no homozygotes.

Submissions (5):

ClinGen Myeloid Malignancy Variant Curation Expert Panel
Classification: Likely benign for Hereditary thrombocytopenia and hematologic cancer predisposition syndrome. Last evaluated: 2024-06-24. Review status: reviewed by expert panel. Criteria: ClinGen MyeloMalig ACMG Specifications v2. Collection method: curation. Allele origin: germline. Inheritance: Autosomal dominant inheritance.
Comment: Synonymous variant (no REVEL score applicable) with SpliceAI score ≤ 0.20 (0.00) (BP4). Evolutionary conservation prediction algorithms predict the site as not being conserved (PhyloP score 0.620 (< 2.0)) (BP7). In summary, this variant meets criteria to be classified as likely benign. ACMG/AMP criteria applied, as specified by the Myeloid Malignancy Variant Curation Expert Panel for RUNX1: BP4, BP7.

Labcorp Genetics (formerly Invitae), Labcorp
Classification: Likely benign for Hereditary thrombocytopenia and hematological cancer predisposition syndrome associated with RUNX1. Last evaluated: 2025-08-02. Review status: criteria provided, single submitter. Criteria: Invitae Variant Classification Sherloc (09022015). Collection method: clinical testing. Allele origin: germline. Not counted in ClinVar's aggregate classification.

Ambry Genetics
Classification: Likely benign for Inborn genetic diseases. Last evaluated: 2024-11-20. Review status: criteria provided, single submitter. Criteria: Ambry Variant Classification Scheme 2023. Collection method: clinical testing. Allele origin: germline. Not counted in ClinVar's aggregate classification.

Blueprint Genetics
Classification: Likely benign. Last evaluated: 2024-09-16. Review status: criteria provided, single submitter. Criteria: ACMG Guidelines, 2015. Collection method: clinical testing. Allele origin: germline. Not counted in ClinVar's aggregate classification.

PreventionGenetics, part of Exact Sciences
Classification: Likely benign for RUNX1-related condition. Last evaluated: 2024-03-04. Review status: no assertion criteria provided. Collection method: clinical testing. Allele origin: germline. Not counted in ClinVar's aggregate classification.
Comment: This variant is classified as likely benign based on ACMG/AMP sequence variant interpretation guidelines (Richards et al. 2015 PMID: 25741868, with internal and published modifications).